The following is an entry in ClinVar:

ClinVar aggregate classification (germline): Uncertain significance (1 of 4 stars; one submission).

Conditions:
Juvenile polyposis syndrome (JPS). Identifiers: Orphanet 2929, MedGen C0345893, MONDO:0017380, OMIM 174900.

Submission:

Labcorp Genetics (formerly Invitae), Labcorp
Classification: Uncertain significance for Juvenile polyposis syndrome. Last evaluated: 2025-08-05. Review status: criteria provided, single submitter. Criteria: Invitae Variant Classification Sherloc (09022015). Collection method: clinical testing. Allele origin: germline.
Comment: This sequence change replaces leucine, which is neutral and non-polar, with valine, which is neutral and non-polar, at codon 98 of the SMAD4 protein (p.Leu98Val). This variant is not present in population databases (gnomAD no frequency). This variant has not been reported in the literature in individuals affected with SMAD4-related conditions. ClinVar contains an entry for this variant (Variation ID: 2202248). Invitae Evidence Modeling of protein sequence and biophysical properties (such as structural, functional, and spatial information, amino acid conservation, physicochemical variation, residue mobility, and thermodynamic stability) has been performed for this missense variant. However, the output from this modeling did not meet the statistical confidence thresholds required to predict the impact of this variant on SMAD4 protein function. In summary, the available evidence is currently insufficient to determine the role of this variant in disease. Therefore, it has been classified as a Variant of Uncertain Significance.

NM_005359.6(SMAD4):c.292C>G (p.Leu98Val)

Gene: SMAD4 (SMAD family member 4; plus strand). Cytogenetic location: 18q21.2.
Variant type: single nucleotide variant.
Coding change: c.292C>G on transcript NM_005359.6 (MANE Select); coding-DNA position 292, C replaced by G.
Protein change: p.Leu98Val; replaces leucine 98 with valine.
Molecular consequence: missense variant.
Genome position (GRCh38, 1-based): chr18:51,048,728, C>G. VCF-style: chr18-51048728-C-G. GRCh37 (hg19) VCF-style: chr18-48575098-C-G.
Other names: c.292C>G, p.Leu98Val (NM_001407041.1, NM_001407042.1, NM_001407043.1); short protein forms L98V.
Identifiers: ClinVar variation 2202248 (VCV002202248.4), dbSNP rs2144405343, ClinGen allele CA402458256.